The following is an entry in ClinVar:

NM_001130987.2(DYSF):c.3575-12C>T

Gene: DYSF (dysferlin; plus strand). Cytogenetic location: 2p13.2.
Variant type: single nucleotide variant.
Coding change: c.3575-12C>T on transcript NM_001130987.2 (MANE Select); 12 bases into the intron before coding-DNA position 3575, C replaced by T.
Molecular consequence: intron variant.
Genome position (GRCh38, 1-based): chr2:71,598,552, C>T. VCF-style: chr2-71598552-C-T. GRCh37 (hg19) VCF-style: chr2-71825682-C-T.
Other names: c.3614-12C>T (NM_001130979.2); c.3572-12C>T (NM_001130981.2, NM_001130980.2); c.3521-12C>T (NM_001130978.2, NM_003494.4); c.3479-12C>T (NM_001130977.2, NM_001130976.2); c.3617-12C>T (NM_001130982.2); c.3575-12C>T (NM_001130985.2); c.3524-12C>T (NM_001130983.2, NM_001130455.2); c.3482-12C>T (NM_001130984.2, NM_001130986.2).
Identifiers: ClinVar variation 390498 (VCV000390498.13), dbSNP rs200680233, ClinGen allele CA1706645.

ClinVar aggregate classification (germline): Benign/Likely benign. Review status: criteria provided, multiple submitters, no conflicts (2 of 4 stars). 3 submissions from 3 submitters: Benign (1); Likely benign (2). Last evaluated 2026-01-28.

Conditions:
Neuromuscular disease caused by qualitative or quantitative defects of dysferlin. Also called: Dysferlinopathy; Qualitative or quantitative defects of dysferlin. Identifiers: Orphanet 207073, MedGen C2931687, MONDO:0016145.

Allele frequency attached by ClinVar (database versions not stated): gnomAD exomes 0.00017 and 0.00050; ExAC 0.00067; 1000 Genomes Project 30x 0.00109; 1000 Genomes Project 0.00140; gnomAD 0.00177 and 0.00190; TOPMed 0.00224; ESP Exome Variant Server 0.00254.
gnomAD v4.1: 528 of 1,614,144 alleles (0.033%); highest among the groups gnomAD compares: African/African-American, 0.63%; 1 homozygote.

Submissions (4):

Labcorp Genetics (formerly Invitae), Labcorp
Classification: Benign for Neuromuscular disease caused by qualitative or quantitative defects of dysferlin. Last evaluated: 2026-01-28. Review status: criteria provided, single submitter. Criteria: Invitae Variant Classification Sherloc (09022015). Collection method: clinical testing. Allele origin: germline.

Blueprint Genetics
Classification: Likely benign. Last evaluated: 2024-09-12. Review status: criteria provided, single submitter. Criteria: ACMG Guidelines, 2015. Collection method: clinical testing. Allele origin: germline.

GeneDx
Classification: Likely benign. Last evaluated: 2020-08-21. Review status: criteria provided, single submitter. Criteria: GeneDx Variant Classification Process June 2021. Collection method: clinical testing. Allele origin: germline. Affected: yes.
Comment: This variant is associated with the following publications: (PMID: 18853459)

Dr. Peter K. Rogan Lab, Western University
No classification provided (evidence only). Condition: Familial cancer of breast. Review status: no classification provided. Collection method: in vitro. Allele origin: not applicable. Functional consequence: retained intron. Not counted in ClinVar's aggregate classification.